The following is an entry in ClinVar:

ClinVar aggregate classification (germline): Benign. Review status: criteria provided, single submitter (1 of 4 stars). 2 submissions from 2 submitters: Benign (1). 1 of the submissions does not count toward it. Last evaluated 2026-01-27.

Conditions:
KRT14-related disorder. Also called: KRT14-related condition.

Allele frequency attached by ClinVar (database versions not stated): ExAC 0.00187; TOPMed 0.00611; 1000 Genomes Project 0.00639; ESP Exome Variant Server 0.00723; 1000 Genomes Project 30x 0.00734.

Submissions (2):

Labcorp Genetics (formerly Invitae), Labcorp
Classification: Benign. Last evaluated: 2026-01-27. Review status: criteria provided, single submitter. Criteria: Invitae Variant Classification Sherloc (09022015). Collection method: clinical testing. Allele origin: germline.

PreventionGenetics, part of Exact Sciences
Classification: Likely benign for KRT14-related condition. Last evaluated: 2024-05-14. Review status: no assertion criteria provided. Collection method: clinical testing. Allele origin: germline. Not counted in ClinVar's aggregate classification.
Comment: This variant is classified as likely benign based on ACMG/AMP sequence variant interpretation guidelines (Richards et al. 2015 PMID: 25741868, with internal and published modifications).

NM_000526.5(KRT14):c.648C>G (p.Ala216=)

Gene: KRT14 (keratin 14; minus strand). Cytogenetic location: 17q21.2.
Variant type: single nucleotide variant.
Coding change: c.648C>G on transcript NM_000526.5 (MANE Select); coding-DNA position 648, C replaced by G.
Protein change: p.Ala216=; no amino-acid change (alanine 216 retained).
Molecular consequence: synonymous variant.
Genome position (GRCh38, 1-based): chr17:41,584,374, G>C on the plus strand (C>G on the coding strand, the complement: KRT14 is on the minus strand). VCF-style: chr17-41584374-G-C. GRCh37 (hg19) VCF-style: chr17-39740626-G-C.
Identifiers: ClinVar variation 713211 (VCV000713211.10), dbSNP rs116375751, ClinGen allele CA8562648.
Genomic context (GRCh38, chr17:41,584,374, plus strand): 5'-CTCCAGGTCAGCTCTGGCCAGGGTCAGTTCGTCCAGCACCCTGCGCAGGCCATTGATGTC[G>C]GCTTCCACACTCATGCGCAGGTTCAACTCTGTCTCATACCTGGAATGACCCCAGAGAAAA-3'
Protein context (NP_000517.3, residues 206-226): TELNLRMSVE[Ala216=]DINGLRRVLD